The following is an entry in ClinVar:

NM_001813.3(CENPE):c.7542G>A (p.Val2514=)

Gene: CENPE (centromere protein E; minus strand). Cytogenetic location: 4q24.
Variant type: single nucleotide variant.
Coding change: c.7542G>A on transcript NM_001813.3 (MANE Select); coding-DNA position 7542, G replaced by A.
Protein change: p.Val2514=; no amino-acid change (valine 2514 retained).
Molecular consequence: synonymous variant.
Genome position (GRCh38, 1-based): chr4:103,111,010, C>T on the plus strand (G>A on the coding strand, the complement: CENPE is on the minus strand). VCF-style: chr4-103111010-C-T. GRCh37 (hg19) VCF-style: chr4-104032167-C-T.
Other names: c.7179G>A, p.Val2393= (NM_001286734.2).
Identifiers: ClinVar variation 797524 (VCV000797524.32), dbSNP rs142939020, ClinGen allele CA3029103.

ClinVar aggregate classification (germline): Benign/Likely benign. Review status: criteria provided, multiple submitters, no conflicts (2 of 4 stars). 3 submissions from 3 submitters: Benign (1); Likely benign (2). Last evaluated 2026-02-03.

Conditions:
CENPE-related disorder. Also called: CENPE-related condition.

Allele frequency attached by ClinVar (database versions not stated): gnomAD exomes 0.00008 and 0.00019; ExAC 0.00022; 1000 Genomes Project 0.00080; gnomAD 0.00082 and 0.00090; TOPMed 0.00085; ESP Exome Variant Server 0.00092; 1000 Genomes Project 30x 0.00094.
gnomAD v4.1: 247 of 1,561,152 alleles (0.016%); highest among the groups gnomAD compares: African/African-American, 0.33%; no homozygotes.

Submissions (3):

PreventionGenetics, part of Exact Sciences
Classification: Likely benign for CENPE-related condition. Last evaluated: 2026-02-03. Review status: criteria provided, single submitter. Criteria: ACMG Guidelines, 2015. Collection method: clinical testing. Allele origin: germline.
Comment: This variant is classified as likely benign based on ACMG/AMP sequence variant interpretation guidelines (Richards et al. 2015 PMID: 25741868, with internal and published modifications).

CeGaT Center for Human Genetics Tuebingen
Classification: Likely benign. Last evaluated: 2023-02-01. Review status: criteria provided, single submitter. Criteria: CeGaT Center For Human Genetics Tuebingen Variant Classification Criteria Version 2. Collection method: clinical testing. Allele origin: germline. Affected: yes. Observed: 1 variant allele.
Comment: CENPE: BP4, BP7

Labcorp Genetics (formerly Invitae), Labcorp
Classification: Benign. Last evaluated: 2019-01-03. Review status: criteria provided, single submitter. Criteria: Invitae Variant Classification Sherloc (09022015). Collection method: clinical testing. Allele origin: germline.